The following is an entry in ClinVar:

NM_001042702.5(PJVK):c.946A>C (p.Asn316His)

Gene: PJVK (pejvakin; plus strand). Cytogenetic location: 2q31.2.
Variant type: single nucleotide variant.
Coding change: c.946A>C on transcript NM_001042702.5 (MANE Select); coding-DNA position 946, A replaced by C.
Protein change: p.Asn316His; replaces asparagine 316 with histidine.
Molecular consequence: missense variant.
Genome position (GRCh38, 1-based): chr2:178,461,161, A>C. VCF-style: chr2-178461161-A-C. GRCh37 (hg19) VCF-style: chr2-179325888-A-C.
Other names: c.955A>C, p.Asn319His (NM_001353775.2); c.952A>C, p.Asn318His (NM_001353776.2); c.469A>C, p.Asn157His (NM_001353777.1, NM_001353778.2); c.946A>C, p.Asn316His (NM_001369912.1); short protein forms N157H, N316H, N318H, N319H.
Identifiers: ClinVar variation 1299236 (VCV001299236.4), dbSNP rs776028922, ClinGen allele CA1984332.

ClinVar aggregate classification (germline): Uncertain significance. Review status: criteria provided, multiple submitters, no conflicts (2 of 4 stars). 2 submissions from 2 submitters: Uncertain significance (2). Last evaluated 2021-09-08.

Conditions:
Autosomal recessive nonsyndromic hearing loss 59. Identifiers: Orphanet 90636, MedGen C1857744, MONDO:0012445, OMIM 610220.

Allele frequency attached by ClinVar (database versions not stated): gnomAD exomes below 0.00001 and 0.00001; ExAC 0.00002; gnomAD 0.00007 and 0.00008; TOPMed 0.00009.
gnomAD v4.1: 15 of 1,614,080 alleles (0.00093%); highest among the groups gnomAD compares: African/African-American, 0.019%; no homozygotes.

Submissions (2):

Labcorp Genetics (formerly Invitae), Labcorp
Classification: Uncertain significance. Last evaluated: 2021-09-08. Review status: criteria provided, single submitter. Criteria: Invitae Variant Classification Sherloc (09022015). Collection method: clinical testing. Allele origin: germline.
Comment: This sequence change replaces asparagine with histidine at codon 316 of the DFNB59 protein (p.Asn316His). The asparagine residue is highly conserved and there is a small physicochemical difference between asparagine and histidine. This variant is present in population databases (rs776028922, ExAC 0.02%). This variant has not been reported in the literature in individuals affected with DFNB59-related conditions. Algorithms developed to predict the effect of missense changes on protein structure and function are either unavailable or do not agree on the potential impact of this missense change (SIFT: "Deleterious"; PolyPhen-2: "Benign"; Align-GVGD: "Class C15"). In summary, the available evidence is currently insufficient to determine the role of this variant in disease. Therefore, it has been classified as a Variant of Uncertain Significance.

Breda Genetics srl
Classification: Uncertain significance for Autosomal recessive nonsyndromic hearing loss 59. Last evaluated: 2021-02-03. Review status: criteria provided, single submitter. Criteria: ACMG Guidelines, 2015. Collection method: clinical testing. Allele origin: germline. Inheritance: Autosomal recessive inheritance. Affected: yes. Observed: 1 variant allele, 1 heterozygote.
Comment: The variant c.946A>C (p.Asn316His) in the PJVK gene is reported with an estimated allele frequency of 0.00001202 in gnomAD exomes, with no homozygous individuals reported. The nucleotide position is highly conserved across 35 mammalian species (GERP RS: 5.77). In silico analysis gives inconsistent results.